The following is an entry in ClinVar:

NM_033305.3(VPS13A):c.5831-8T>C

Gene: VPS13A (vacuolar protein sorting 13 homolog A; plus strand). Cytogenetic location: 9q21.2.
Variant type: single nucleotide variant.
Coding change: c.5831-8T>C on transcript NM_033305.3 (MANE Select); 8 bases into the intron before coding-DNA position 5831, T replaced by C.
Molecular consequence: intron variant.
Genome position (GRCh38, 1-based): chr9:77,323,059, T>C. VCF-style: chr9-77323059-T-C. GRCh37 (hg19) VCF-style: chr9-79937975-T-C.
Other names: c.5714-8T>C (NM_001018037.2); c.5831-8T>C (NM_015186.4, NM_001018038.3).
Identifiers: ClinVar variation 695521 (VCV000695521.17), dbSNP rs113702270, ClinGen allele CA5092879.

ClinVar aggregate classification (germline): Benign/Likely benign. Review status: criteria provided, multiple submitters, no conflicts (2 of 4 stars). 4 submissions from 4 submitters: Benign (1); Likely benign (2). 1 of the submissions does not count toward it. Last evaluated 2026-01-28.

Conditions:
VPS13A-related neurodegenerative disease. Also called: LEVINE-CRITCHLEY SYNDROME; Choreaacanthocytosis; VPS13A Disease; Choreoacanthocytosis; Chorea-acanthocytosis; ACANTHOCYTOSIS WITH NEUROLOGIC DISORDER. Identifiers: Orphanet 2388, MedGen C0393576, MONDO:0008695, OMIM 200150.

Allele frequency attached by ClinVar (database versions not stated): gnomAD exomes 0.00023 and 0.00053; ExAC 0.00088; gnomAD 0.00184 and 0.00190; TOPMed 0.00189; 1000 Genomes Project 0.00280; ESP Exome Variant Server 0.00284; 1000 Genomes Project 30x 0.00297.
gnomAD v4.1: 637 of 1,604,362 alleles (0.04%); highest among the groups gnomAD compares: African/African-American, 0.68%; 1 homozygote.

Submissions (4):

Labcorp Genetics (formerly Invitae), Labcorp
Classification: Benign. Last evaluated: 2026-01-28. Review status: criteria provided, single submitter. Criteria: Invitae Variant Classification Sherloc (09022015). Collection method: clinical testing. Allele origin: germline.

Blueprint Genetics
Classification: Likely benign. Last evaluated: 2024-09-19. Review status: criteria provided, single submitter. Criteria: ACMG Guidelines, 2015. Collection method: clinical testing. Allele origin: germline.

Illumina Laboratory Services, Illumina
Classification: Likely benign for VPS13A-related neurodegenerative disease. Last evaluated: 2018-01-12. Review status: criteria provided, single submitter. Criteria: ICSL Variant Classification Criteria 13 December 2019. Collection method: clinical testing. Allele origin: germline.
Comment: This variant was observed in the ICSL laboratory as part of a predisposition screen in an ostensibly healthy population. It had not been previously curated by ICSL or reported in the Human Gene Mutation Database (HGMD: prior to June 1st, 2018), and was therefore a candidate for classification through an automated scoring system. Utilizing variant allele frequency, disease prevalence and penetrance estimates, and inheritance mode, an automated score was calculated to assess if this variant is too frequent to cause the disease. Based on the score and internal cut-off values, a variant classified as likely benign is not then subjected to further curation. The score for this variant resulted in a classification of likely benign for this disease.

Natera, Inc.
Classification: Uncertain significance for Choreaacanthocytosis. Last evaluated: 2019-11-11. Review status: no assertion criteria provided. Collection method: clinical testing. Allele origin: germline. Not counted in ClinVar's aggregate classification.